The following is an entry in ClinVar:

NM_000277.3(PAH):c.845A>G (p.Asp282Gly)

Genes: PAH (phenylalanine hydroxylase; minus strand), LOC126861615 (CDK7 strongly-dependent group 2 enhancer GRCh37_chr12:103244689-103245888; plus strand). Cytogenetic location: 12q23.2.
Variant type: single nucleotide variant.
Coding change: c.845A>G on transcript NM_000277.3 (MANE Select); coding-DNA position 845, A replaced by G.
Protein change: p.Asp282Gly; replaces aspartic acid 282 with glycine.
Molecular consequence: missense variant.
Genome position (GRCh38, 1-based): chr12:102,851,754, T>C on the plus strand (A>G on the coding strand, the complement: PAH is on the minus strand). VCF-style: chr12-102851754-T-C. GRCh37 (hg19) VCF-style: chr12-103245532-T-C.
Other names: c.845A>G, p.Asp282Gly (NM_001354304.2); short protein forms D282G.
Identifiers: ClinVar variation 102875 (VCV000102875.8), dbSNP rs199475660, ClinGen allele CA229818.

ClinVar aggregate classification (germline): Conflicting classifications of pathogenicity. Review status: criteria provided, conflicting classifications (1 of 4 stars). 4 submissions from 4 submitters: Pathogenic (1); Likely pathogenic (1); Uncertain significance (1). 1 of the submissions does not count toward it. Last evaluated 2022-08-26.

Conditions:
Phenylketonuria (PKU). Also called: Phenylketonuria (PKU); FOLLING DISEASE; OLIGOPHRENIA PHENYLPYRUVICA; Phenylketonurias. Identifiers: Orphanet 716, MedGen C0031485, MONDO:0009861, OMIM 261600. Disease mechanism: loss of function.

Submissions (4):

Blueprint Genetics
Classification: Uncertain significance. Last evaluated: 2022-08-26. Review status: criteria provided, single submitter. Criteria: ACMG Guidelines, 2015. Collection method: clinical testing. Allele origin: germline.

Baylor Genetics
Classification: Likely pathogenic for Phenylketonuria. Last evaluated: 2022-08-05. Review status: criteria provided, single submitter. Criteria: ACMG Guidelines, 2015. Collection method: clinical testing. Allele origin: unknown.

Labcorp Genetics (formerly Invitae), Labcorp
Classification: Pathogenic for Phenylketonuria. Last evaluated: 2022-01-28. Review status: criteria provided, single submitter. Criteria: Invitae Variant Classification Sherloc (09022015). Collection method: clinical testing. Allele origin: germline.
Comment: This missense change has been observed in individual(s) with hyperphenylalaninemia and/or phenylketonuria (PMID: 16256386, 33677757). For these reasons, this variant has been classified as Pathogenic. This variant disrupts the p.Asp282 amino acid residue in PAH. Other variant(s) that disrupt this residue have been determined to be pathogenic (PMID: 22112818, 22526846, 23430918, 26666653). This suggests that this residue is clinically significant, and that variants that disrupt this residue are likely to be disease-causing. Algorithms developed to predict the effect of missense changes on protein structure and function are either unavailable or do not agree on the potential impact of this missense change (SIFT: "Not Available"; PolyPhen-2: "Probably Damaging"; Align-GVGD: "Not Available"). ClinVar contains an entry for this variant (Variation ID: 102875). This variant is not present in population databases (gnomAD no frequency). This sequence change replaces aspartic acid, which is acidic and polar, with glycine, which is neutral and non-polar, at codon 282 of the PAH protein (p.Asp282Gly).

DeBelle Laboratory for Biochemical Genetics, MUHC/MCH RESEARCH INSTITUTE
No classification provided. Review status: no classification provided. Collection method: not provided. Allele origin: not provided. Not counted in ClinVar's aggregate classification.

Literature cited by the submitters: PubMed 16256386 (cited by Labcorp Genetics (formerly Invitae), Labcorp); PubMed 33677757 (cited by Labcorp Genetics (formerly Invitae), Labcorp); PubMed 22112818 (cited by Labcorp Genetics (formerly Invitae), Labcorp); PubMed 22526846 (cited by Labcorp Genetics (formerly Invitae), Labcorp); PubMed 23430918 (cited by Labcorp Genetics (formerly Invitae), Labcorp); PubMed 26666653 (cited by Labcorp Genetics (formerly Invitae), Labcorp).